The following is an entry in ClinVar:

ClinVar aggregate classification (germline): Conflicting classifications of pathogenicity. Review status: criteria provided, conflicting classifications (1 of 4 stars). 2 submissions from 2 submitters: Uncertain significance (1); Likely benign (1). Last evaluated 2025-10-05.

Conditions:
Tuberous sclerosis 2 (TSC2). Identifiers: Orphanet 805, MedGen C1860707, MONDO:0013199, OMIM 613254.
Isolated focal cortical dysplasia type II (FCORD2). Also called: Focal cortical dysplasia type II; CORTICAL DYSPLASIA OF TAYLOR. Identifiers: Orphanet 268994, MedGen C1846385, MONDO:0011818, OMIM 607341, HP:0032051.

Submissions (2):

Labcorp Genetics (formerly Invitae), Labcorp
Classification: Uncertain significance for Tuberous sclerosis 2. Last evaluated: 2025-10-05. Review status: criteria provided, single submitter. Criteria: Invitae Variant Classification Sherloc (09022015). Collection method: clinical testing. Allele origin: germline.
Comment: This sequence change replaces serine, which is neutral and polar, with asparagine, which is neutral and polar, at codon 729 of the TSC2 protein (p.Ser729Asn). This variant is not present in population databases (gnomAD no frequency). This variant has not been reported in the literature in individuals affected with TSC2-related conditions. ClinVar contains an entry for this variant (Variation ID: 1007199). Invitae Evidence Modeling of protein sequence and biophysical properties (such as structural, functional, and spatial information, amino acid conservation, physicochemical variation, residue mobility, and thermodynamic stability) indicates that this missense variant is not expected to disrupt TSC2 protein function with a negative predictive value of 95%. In summary, the available evidence is currently insufficient to determine the role of this variant in disease. Therefore, it has been classified as a Variant of Uncertain Significance.

3billion
Classification: Likely benign for Isolated focal cortical dysplasia type II; Tuberous sclerosis 2. Last evaluated: 2024-09-20. Review status: criteria provided, single submitter. Criteria: ACMG Guidelines, 2015. Collection method: clinical testing. Allele origin: germline. Affected: no.
Comment: The variant was identified in at least one patient who was diagnosed with a different variant in another gene and showed no symptoms related to the gene containing the variant in question.

NM_000548.5(TSC2):c.2186G>A (p.Ser729Asn)

Gene: TSC2 (TSC complex subunit 2; plus strand). Cytogenetic location: 16p13.3.
Variant type: single nucleotide variant.
Coding change: c.2186G>A on transcript NM_000548.5 (MANE Select); coding-DNA position 2186, G replaced by A.
Protein change: p.Ser729Asn; replaces serine 729 with asparagine.
Molecular consequence: missense variant.
Genome position (GRCh38, 1-based): chr16:2,072,329, G>A. VCF-style: chr16-2072329-G-A. GRCh37 (hg19) VCF-style: chr16-2122330-G-A.
Other names: c.2186G>A, p.Ser729Asn (NM_001077183.3, NM_001114382.3, NM_001363528.2 and 3 more transcripts); c.2075G>A, p.Ser692Asn (NM_001318827.2); c.2039G>A, p.Ser680Asn (NM_001318829.2); c.1586G>A, p.Ser529Asn (NM_001318831.2); c.2219G>A, p.Ser740Asn (NM_001318832.2); short protein forms S529N, S680N, S692N, S729N, S740N.
Identifiers: ClinVar variation 1007199 (VCV001007199.9), dbSNP rs2088581254, ClinGen allele CA394274986.
Genomic context (GRCh38, chr16:2,072,329, plus strand): 5'-TTCTGGGCAGGCTGCCTGAGTCCCTGCGCTATAAAGTGCTCATCTTTACTTCCCCTTGCA[G>A]TGTGGACCAGCTGTGCTCTGCTCTCTGCTCCATGGTACCATGGCCGGCCTGGGGTTGGGG-3'
Protein context (NP_000539.2, residues 719-739): YKVLIFTSPC[Ser729Asn]VDQLCSALCS